The following is an entry in ClinVar:

NM_002234.4(KCNA5):c.159G>C (p.Gly53=)

Gene: KCNA5 (potassium voltage-gated channel subfamily A member 5; plus strand). Cytogenetic location: 12p13.32.
Variant type: single nucleotide variant.
Coding change: c.159G>C on transcript NM_002234.4 (MANE Select); coding-DNA position 159, G replaced by C.
Protein change: p.Gly53=; no amino-acid change (glycine 53 retained).
Molecular consequence: synonymous variant.
Genome position (GRCh38, 1-based): chr12:5,044,306, G>C. VCF-style: chr12-5044306-G-C. GRCh37 (hg19) VCF-style: chr12-5153472-G-C.
Other names: c.159G>C (NM_002234.3).
Identifiers: ClinVar variation 1993012 (VCV001993012.6), dbSNP rs1292147729, ClinGen allele CA478094939.

ClinVar aggregate classification (germline): Uncertain significance. Review status: criteria provided, single submitter (1 of 4 stars). 2 submissions from 2 submitters: Uncertain significance (1). 1 of the submissions does not count toward it. Last evaluated 2022-05-11.

Conditions:
KCNA5-related disorder. Also called: KCNA5-related condition.
Atrial fibrillation, familial, 7 (ATFB7). Identifiers: MedGen C2677106, MONDO:0012828, OMIM 612240.

gnomAD v4.1: 7 of 1,549,382 alleles (0.00045%); highest among the groups gnomAD compares: Non-Finnish European, 0.00061%; no homozygotes.

Submissions (2):

Labcorp Genetics (formerly Invitae), Labcorp
Classification: Uncertain significance for Atrial fibrillation, familial, 7. Last evaluated: 2022-05-11. Review status: criteria provided, single submitter. Criteria: Invitae Variant Classification Sherloc (09022015). Collection method: clinical testing. Allele origin: germline.
Comment: In summary, the available evidence is currently insufficient to determine the role of this variant in disease. Therefore, it has been classified as a Variant of Uncertain Significance. This variant has not been reported in the literature in individuals affected with KCNA5-related conditions. This variant is present in population databases (no rsID available, gnomAD 0.002%). This sequence change affects codon 53 of the KCNA5 mRNA. It is a 'silent' change, meaning that it does not change the encoded amino acid sequence of the KCNA5 protein.

PreventionGenetics, part of Exact Sciences
Classification: Likely benign for KCNA5-related condition. Last evaluated: 2020-04-02. Review status: no assertion criteria provided. Collection method: clinical testing. Allele origin: germline. Not counted in ClinVar's aggregate classification.
Comment: This variant is classified as likely benign based on ACMG/AMP sequence variant interpretation guidelines (Richards et al. 2015 PMID: 25741868, with internal and published modifications).